The following is an entry in ClinVar:

NM_000090.4(COL3A1):c.518dup (p.Gly174fs)

Gene: COL3A1 (collagen type III alpha 1 chain; plus strand). Cytogenetic location: 2q32.2.
Variant type: Duplication.
Coding change: c.518dup on transcript NM_000090.4 (MANE Select); coding-DNA position 518, one base duplicated (C; older notation c.518dupC).
Protein change: p.Gly174fs; shifts the reading frame from glycine 174.
Molecular consequence: frameshift variant.
Genome position (GRCh38, 1-based): chr2:188,987,129, C duplicated; the last of 2 consecutive C bases (chr2:188,987,128-188,987,129); duplicating either gives the same sequence. VCF-style (leftmost placement, unchanged base first): chr2-188987127-T-TC. GRCh37 (hg19) VCF-style: chr2-189851853-T-TC.
Other names: short protein forms G174fs.
Identifiers: ClinVar variation 3652991 (VCV003652991.2).

ClinVar aggregate classification (germline): Pathogenic (1 of 4 stars; one submission).

Conditions:
Ehlers-Danlos syndrome, type 4 (EDSVASC). Also called: Ehlers-Danlos syndrome vascular type; Ehlers Danlos syndrome, ecchymotic type; Ehlers Danlos syndrome, arterial type; Ehlers Danlos syndrome, Sack-Barabas type; Ehlers-Danlos Syndrome Type IV. Identifiers: Orphanet 286, MedGen C0268338, MONDO:0017314, OMIM 130050.

Submission:

Labcorp Genetics (formerly Invitae), Labcorp
Classification: Pathogenic for Ehlers-Danlos syndrome, type 4. Last evaluated: 2024-05-10. Review status: criteria provided, single submitter. Criteria: Invitae Variant Classification Sherloc (09022015). Collection method: clinical testing. Allele origin: germline.
Comment: This sequence change creates a premature translational stop signal (p.Gly174Trpfs*32) in the COL3A1 gene. It is expected to result in an absent or disrupted protein product. Loss-of-function variants in COL3A1 are known to be pathogenic (PMID: 24922459). This variant is not present in population databases (gnomAD no frequency). This variant has not been reported in the literature in individuals affected with COL3A1-related conditions. For these reasons, this variant has been classified as Pathogenic.

Literature cited by the submitters: PubMed 24922459.